The following is an entry in ClinVar:

ClinVar aggregate classification (germline): Likely benign. Review status: criteria provided, multiple submitters, no conflicts (2 of 4 stars). 3 submissions from 3 submitters: Likely benign (3). Last evaluated 2025-09-01.

Conditions:
SNRNP200-related disorder. Also called: SNRNP200-related condition.

gnomAD v4.1: 72 of 1,614,052 alleles (0.0045%); highest among the groups gnomAD compares: African/African-American, 0.077%; no homozygotes.

Submissions (3):

Labcorp Genetics (formerly Invitae), Labcorp
Classification: Likely benign. Last evaluated: 2025-09-01. Review status: criteria provided, single submitter. Criteria: Invitae Variant Classification Sherloc (09022015). Collection method: clinical testing. Allele origin: germline.

PreventionGenetics, part of Exact Sciences
Classification: Likely benign for SNRNP200-related condition. Last evaluated: 2024-12-13. Review status: criteria provided, single submitter. Criteria: ACMG Guidelines, 2015. Collection method: clinical testing. Allele origin: germline.
Comment: This variant is classified as likely benign based on ACMG/AMP sequence variant interpretation guidelines (Richards et al. 2015 PMID: 25741868, with internal and published modifications).

Blueprint Genetics
Classification: Likely benign. Last evaluated: 2022-01-29. Review status: criteria provided, single submitter. Criteria: ACMG Guidelines, 2015. Collection method: clinical testing. Allele origin: germline.

NM_014014.5(SNRNP200):c.3897C>T (p.Thr1299=)

Gene: SNRNP200 (small nuclear ribonucleoprotein U5 subunit 200; minus strand). Cytogenetic location: 2q11.2.
Variant type: single nucleotide variant.
Coding change: c.3897C>T on transcript NM_014014.5 (MANE Select); coding-DNA position 3897, C replaced by T.
Protein change: p.Thr1299=; no amino-acid change (threonine 1299 retained).
Molecular consequence: synonymous variant.
Genome position (GRCh38, 1-based): chr2:96,286,417, G>A on the plus strand (C>T on the coding strand, the complement: SNRNP200 is on the minus strand). VCF-style: chr2-96286417-G-A. GRCh37 (hg19) VCF-style: chr2-96952155-G-A.
Other names: c.3897C>T (NM_014014.4).
Identifiers: ClinVar variation 1107289 (VCV001107289.11), dbSNP rs144934076, ClinGen allele CA1778349.